The following is an entry in ClinVar:

ClinVar aggregate classification (germline): Uncertain significance (1 of 4 stars; one submission).

Conditions:
Cardiovascular phenotype. Identifiers: MedGen CN230736.

Submission:

Ambry Genetics
Classification: Uncertain significance for Cardiovascular phenotype. Last evaluated: 2025-07-10. Review status: criteria provided, single submitter. Criteria: Ambry Variant Classification Scheme 2023. Collection method: clinical testing. Allele origin: germline.
Comment: The c.916A>G (p.N306D) alteration is located in exon 8 (coding exon 8) of the PTPN11 gene. This alteration results from an A to G substitution at nucleotide position 916, causing the asparagine (N) at amino acid position 306 to be replaced by an aspartic acid (D). This variant was not reported in population-based cohorts in the Genome Aggregation Database (gnomAD). This amino acid position is highly conserved in available vertebrate species. This alteration is predicted to be deleterious by in silico analysis. Based on insufficient or conflicting evidence, the clinical significance of this alteration remains unclear.

NM_002834.5(PTPN11):c.916A>G (p.Asn306Asp)

Gene: PTPN11 (protein tyrosine phosphatase non-receptor type 11; plus strand). Cytogenetic location: 12q24.13.
Variant type: single nucleotide variant.
Coding change: c.916A>G on transcript NM_002834.5 (MANE Select); coding-DNA position 916, A replaced by G.
Protein change: p.Asn306Asp; replaces asparagine 306 with aspartic acid.
Molecular consequence: missense variant.
Genome position (GRCh38, 1-based): chr12:112,477,713, A>G. VCF-style: chr12-112477713-A-G. GRCh37 (hg19) VCF-style: chr12-112915517-A-G.
Other names: c.916A>G, p.Asn306Asp (NM_001330437.2, NM_080601.3); c.913A>G, p.Asn305Asp (NM_001374625.1); short protein forms N305D, N306D.
Identifiers: ClinVar variation 3940442 (VCV003940442.2).